The following is an entry in ClinVar:

ClinVar aggregate classification (germline): Uncertain significance. Review status: criteria provided, multiple submitters, no conflicts (2 of 4 stars). 2 submissions from 2 submitters: Uncertain significance (2). Last evaluated 2025-08-28.

Conditions:
Pancreatic adenocarcinoma. Identifiers: MedGen C0281361, MONDO:0006047, HP:0006725.

Allele frequency attached by ClinVar (database versions not stated): gnomAD 0.00001.
gnomAD v4.1: 3 of 1,497,854 alleles (0.0002%); highest among the groups gnomAD compares: Non-Finnish European, 0.00027%; no homozygotes.

Submissions (2):

Ambry Genetics
Classification: Uncertain significance. Last evaluated: 2025-08-28. Review status: criteria provided, single submitter. Criteria: Ambry Variant Classification Scheme 2023. Collection method: clinical testing. Allele origin: germline.

Labcorp Genetics (formerly Invitae), Labcorp
Classification: Uncertain significance for Pancreatic adenocarcinoma. Last evaluated: 2023-03-27. Review status: criteria provided, single submitter. Criteria: Invitae Variant Classification Sherloc (09022015). Collection method: clinical testing. Allele origin: germline.
Comment: In summary, the available evidence is currently insufficient to determine the role of this variant in disease. Therefore, it has been classified as a Variant of Uncertain Significance. An algorithm developed to predict the effect of missense changes on protein structure and function (PolyPhen-2) suggests that this variant is likely to be tolerated. This variant has not been reported in the literature in individuals affected with PALLD-related conditions. This variant is present in population databases (no rsID available, gnomAD 0.007%). This sequence change replaces glycine, which is neutral and non-polar, with arginine, which is basic and polar, at codon 16 of the PALLD protein (p.Gly16Arg).

NM_001166108.2(PALLD):c.1965-12985G>C

Gene: PALLD (palladin, cytoskeletal associated protein; plus strand). Cytogenetic location: 4q32.3.
Variant type: single nucleotide variant.
Coding change: c.1965-12985G>C on transcript NM_001166108.2 (MANE Select); 12985 bases into the intron before coding-DNA position 1965, G replaced by C.
Molecular consequence: intron variant. On other transcripts: missense variant (1).
Genome position (GRCh38, 1-based): chr4:168,877,937, G>C. VCF-style: chr4-168877937-G-C. GRCh37 (hg19) VCF-style: chr4-169799088-G-C.
Other names: c.46G>C, p.Gly16Arg (NM_001166110.2); c.1965-12985G>C (NM_016081.4); c.819-12985G>C (NM_001166109.2); c.-157-12985G>C (NM_001367570.1, NM_001367568.1, NM_001367567.1 and 1 more transcripts); c.46G>C (NM_001166110.1); short protein forms G16R.
Identifiers: ClinVar variation 3008445 (VCV003008445.5), dbSNP rs925028358, ClinGen allele CA358794780.